The following is an entry in ClinVar:

NM_001385012.1(NBEA):c.391A>G (p.Thr131Ala)

Gene: NBEA (neurobeachin; plus strand). Cytogenetic location: 13q13.3.
Variant type: single nucleotide variant.
Coding change: c.391A>G on transcript NM_001385012.1 (MANE Select); coding-DNA position 391, A replaced by G.
Protein change: p.Thr131Ala; replaces threonine 131 with alanine.
Molecular consequence: missense variant.
Genome position (GRCh38, 1-based): chr13:35,041,029, A>G. VCF-style: chr13-35041029-A-G. GRCh37 (hg19) VCF-style: chr13-35615166-A-G.
Other names: c.391A>G, p.Thr131Ala (NM_001379245.1, NM_015678.5); short protein forms T131A.
Identifiers: ClinVar variation 3343694 (VCV003343694.2).

ClinVar aggregate classification (germline): Uncertain significance (1 of 4 stars; one submission).

Submission:

GeneDx
Classification: Uncertain significance. Last evaluated: 2024-11-26. Review status: criteria provided, single submitter. Criteria: GeneDx Variant Classification Process June 2021. Collection method: clinical testing. Allele origin: germline.
Comment: Not observed at significant frequency in large population cohorts (gnomAD); In silico analysis supports that this missense variant has a deleterious effect on protein structure/function; Has not been previously published as pathogenic or benign to our knowledge